The following is an entry in ClinVar:

NM_001291088.2(WDR87):c.1835T>G (p.Phe612Cys)

Gene: WDR87 (WD repeat domain 87; minus strand). Cytogenetic location: 19q13.13.
Variant type: single nucleotide variant.
Coding change: c.1835T>G on transcript NM_001291088.2 (MANE Select); coding-DNA position 1835, T replaced by G.
Protein change: p.Phe612Cys; replaces phenylalanine 612 with cysteine.
Molecular consequence: missense variant.
Genome position (GRCh38, 1-based): chr19:37,893,868, A>C on the plus strand (T>G on the coding strand, the complement: WDR87 is on the minus strand). VCF-style: chr19-37893868-A-C. GRCh37 (hg19) VCF-style: chr19-38384508-A-C.
Other names: c.1718T>G, p.Phe573Cys (NM_031951.5); short protein forms F573C, F612C.
Identifiers: ClinVar variation 3257422 (VCV003257422.17).

ClinVar aggregate classification (germline): Uncertain significance (1 of 4 stars; one submission).

Submission:

CeGaT Center for Human Genetics Tuebingen
Classification: Uncertain significance. Last evaluated: 2024-07-01. Review status: criteria provided, single submitter. Criteria: CeGaT Center For Human Genetics Tuebingen Variant Classification Criteria Version 2. Collection method: clinical testing. Allele origin: germline. Affected: yes. Observed: 1 variant allele.
Comment: WDR87: PM2, PP2